The following is an entry in ClinVar:

ClinVar aggregate classification (germline): Uncertain significance. Review status: criteria provided, multiple submitters, no conflicts (2 of 4 stars). 2 submissions from 2 submitters: Uncertain significance (2). Last evaluated 2025-10-01.

Conditions:
Inborn genetic diseases. Identifiers: MedGen C0950123, MeSH D030342.
Autosomal dominant Parkinson disease 8. Also called: LRRK2-Related Parkinson Disease; Parkinson disease 8; Parkinson disease 8, susceptibility to. Identifiers: Orphanet 411602, MedGen C1846862, MONDO:0011764, OMIM 607060.

Allele frequency attached by ClinVar (database versions not stated): gnomAD exomes below 0.00001; gnomAD 0.00001; TOPMed 0.00001.
gnomAD v4.1: 3 of 1,613,636 alleles (0.00019%); highest among the groups gnomAD compares: African/African-American, 0.004%; no homozygotes.

Submissions (2):

Ambry Genetics
Classification: Uncertain significance for Inborn genetic diseases. Last evaluated: 2025-10-01. Review status: criteria provided, single submitter. Criteria: Ambry Variant Classification Scheme 2023. Collection method: clinical testing. Allele origin: germline.

Labcorp Genetics (formerly Invitae), Labcorp
Classification: Uncertain significance for Autosomal dominant Parkinson disease 8. Last evaluated: 2022-02-19. Review status: criteria provided, single submitter. Criteria: Invitae Variant Classification Sherloc (09022015). Collection method: clinical testing. Allele origin: germline.
Comment: This sequence change replaces histidine, which is basic and polar, with tyrosine, which is neutral and polar, at codon 360 of the LRRK2 protein (p.His360Tyr). This variant is present in population databases (no rsID available, gnomAD 0.007%). This variant has not been reported in the literature in individuals affected with LRRK2-related conditions. Algorithms developed to predict the effect of missense changes on protein structure and function are either unavailable or do not agree on the potential impact of this missense change (SIFT: "Deleterious"; PolyPhen-2: "Possibly Damaging"; Align-GVGD: "Class C0"). In summary, the available evidence is currently insufficient to determine the role of this variant in disease. Therefore, it has been classified as a Variant of Uncertain Significance.

NM_198578.4(LRRK2):c.1078C>T (p.His360Tyr)

Gene: LRRK2 (leucine rich repeat kinase 2; plus strand). Cytogenetic location: 12q12.
Variant type: single nucleotide variant.
Coding change: c.1078C>T on transcript NM_198578.4 (MANE Select); coding-DNA position 1078, C replaced by T.
Protein change: p.His360Tyr; replaces histidine 360 with tyrosine.
Molecular consequence: missense variant.
Genome position (GRCh38, 1-based): chr12:40,251,351, C>T. VCF-style: chr12-40251351-C-T. GRCh37 (hg19) VCF-style: chr12-40645153-C-T.
Other names: c.1078C>T (NM_198578.3); short protein forms H360Y.
Identifiers: ClinVar variation 2199645 (VCV002199645.6), dbSNP rs1009804381, ClinGen allele CA235357467.